The following is an entry in ClinVar:

NM_032444.4(SLX4):c.4241del (p.Pro1414fs)

Gene: SLX4 (SLX4 structure-specific endonuclease subunit; minus strand). Cytogenetic location: 16p13.3.
Variant type: Deletion.
Coding change: c.4241del on transcript NM_032444.4 (MANE Select); coding-DNA position 4241, one base deleted (C; older notation c.4241delC).
Protein change: p.Pro1414fs; shifts the reading frame from proline 1414.
Molecular consequence: frameshift variant.
Genome position (GRCh38, 1-based): chr16:3,589,397, G deleted on the plus strand (C on the coding strand, the reverse complement: SLX4 is on the minus strand); the first of 6 consecutive G bases (chr16:3,589,397-3,589,402); deleting any one gives the same sequence. VCF-style (leftmost placement, unchanged base first): chr16-3589396-TG-T. GRCh37 (hg19) VCF-style: chr16-3639397-TG-T.
Other names: short protein forms P1414fs.
Identifiers: ClinVar variation 3653017 (VCV003653017.2).

ClinVar aggregate classification (germline): Pathogenic (1 of 4 stars; one submission).

Conditions:
Fanconi anemia (FA). Also called: Fanconi's anemia. Identifiers: Orphanet 84, MedGen C0015625, MeSH D005199, MONDO:0019391.

Submission:

Labcorp Genetics (formerly Invitae), Labcorp
Classification: Pathogenic for Fanconi anemia. Last evaluated: 2024-02-20. Review status: criteria provided, single submitter. Criteria: Invitae Variant Classification Sherloc (09022015). Collection method: clinical testing. Allele origin: germline.
Comment: This sequence change creates a premature translational stop signal (p.Pro1414Hisfs*36) in the SLX4 gene. It is expected to result in an absent or disrupted protein product. Loss-of-function variants in SLX4 are known to be pathogenic (PMID: 21240277). The frequency data for this variant in the population databases is considered unreliable, as metrics indicate poor data quality at this position in the gnomAD database. This variant has not been reported in the literature in individuals affected with SLX4-related conditions. For these reasons, this variant has been classified as Pathogenic.

Literature cited by the submitters: PubMed 21240277.